The following is an entry in ClinVar:

NM_006231.4(POLE):c.2234C>A (p.Thr745Asn)

Gene: POLE (DNA polymerase epsilon, catalytic subunit; minus strand). Cytogenetic location: 12q24.33.
Variant type: single nucleotide variant.
Coding change: c.2234C>A on transcript NM_006231.4 (MANE Select); coding-DNA position 2234, C replaced by A.
Protein change: p.Thr745Asn; replaces threonine 745 with asparagine.
Molecular consequence: missense variant.
Genome position (GRCh38, 1-based): chr12:132,667,588, G>T on the plus strand (C>A on the coding strand, the complement: POLE is on the minus strand). VCF-style: chr12-132667588-G-T. GRCh37 (hg19) VCF-style: chr12-133244174-G-T.
Other names: short protein forms T745N.
Identifiers: ClinVar variation 3935667 (VCV003935667.1).

ClinVar aggregate classification (germline): Uncertain significance (1 of 4 stars; one submission).

Conditions:
Hereditary cancer-predisposing syndrome. Also called: Tumor predisposition; Hereditary neoplastic syndrome; Hereditary Cancer Syndrome; Neoplastic Syndromes, Hereditary. Identifiers: Orphanet 140162, MedGen C0027672, MeSH D009386, MONDO:0015356.

Submission:

Ambry Genetics
Classification: Uncertain significance for Hereditary cancer-predisposing syndrome. Last evaluated: 2025-05-02. Review status: criteria provided, single submitter. Criteria: Ambry Variant Classification Scheme 2023. Collection method: clinical testing. Allele origin: germline.
Comment: The p.T745N variant (also known as c.2234C>A), located in coding exon 20 of the POLE gene, results from a C to A substitution at nucleotide position 2234. The threonine at codon 745 is replaced by asparagine, an amino acid with similar properties. This amino acid position is conserved. In addition, this alteration is predicted to be tolerated by in silico analysis. Based on the available evidence, the clinical significance of this variant remains unclear.